The following is an entry in ClinVar:

ClinVar aggregate classification (germline): Uncertain significance. Review status: criteria provided, multiple submitters, no conflicts (2 of 4 stars). 2 submissions from 2 submitters: Uncertain significance (2). Last evaluated 2026-09-08.

Conditions:
Fabry disease. Also called: GLA DEFICIENCY; HEREDITARY DYSTOPIC LIPIDOSIS; Fabry's disease; ALPHA-GALACTOSIDASE A DEFICIENCY; ANDERSON-FABRY DISEASE; CERAMIDE TRIHEXOSIDASE DEFICIENCY. Identifiers: Orphanet 324, MedGen C0002986, MONDO:0010526, OMIM 301500, HP:0001071. Disease mechanism: Fabry disease is due to inactivating mutations in the X-linked GLA gene resulting in deficiency of the enzyme Alpha Galactosidase-A., loss of function.

Submissions (2):

Genomenon, Inc
Classification: Uncertain significance for Fabry disease. Last evaluated: 2026-09-08. Review status: criteria provided, single submitter. Criteria: Genomenon Sequence Variant Interpretation Standards - Updated. Collection method: curation. Allele origin: germline. Affected: no.
Comment: GLA c.548-3C>A is an intronic variant located in the acceptor splice region of intron 3. This variant has been reported in the published literature (PMID:39336803). It is absent or not present at a significant frequency in gnomAD. In silico models predict that this variant is possibly or probably damaging. In conclusion, we classify GLA c.548-3C>A as a variant of uncertain significance.

GeneDx
Classification: Uncertain significance. Last evaluated: 2022-01-14. Review status: criteria provided, single submitter. Criteria: GeneDx Variant Classification Process June 2021. Collection method: clinical testing. Allele origin: germline. Affected: yes.
Comment: Not observed at significant frequency in large population cohorts (gnomAD); In silico analysis supports a deleterious effect on splicing; Has not been previously published as pathogenic or benign to our knowledge

Literature cited by the submitters: PubMed 39336803 (cited by Genomenon, Inc).

NM_000169.3(GLA):c.548-3C>A

Genes: GLA (galactosidase alpha; minus strand), RPL36A-HNRNPH2 (RPL36A-HNRNPH2 readthrough; plus strand). Cytogenetic location: Xq22.1.
Variant type: single nucleotide variant.
Coding change: c.548-3C>A on transcript NM_000169.3 (MANE Select); 3 bases into the intron before coding-DNA position 548, C replaced by A.
Molecular consequence: intron variant.
Genome position (GRCh38, 1-based): chrX:101,400,760, G>T on the plus strand (C>A on the coding strand, the complement: GLA is on the minus strand). VCF-style: chrX-101400760-G-T. GRCh37 (hg19) VCF-style: chrX-100655748-G-T.
Other names: c.300+5303G>T (NM_001199973.2); c.177+8938G>T (NM_001199974.2); c.671-3C>A (NM_001406747.1); c.548-3C>A (NM_001406748.1).
Identifiers: ClinVar variation 1696893 (VCV001696893.4), dbSNP rs1603041223, ClinGen allele CA2580100068.